The following is an entry in ClinVar:

NM_003000.3(SDHB):c.144C>T (p.Asp48=)

Gene: SDHB (succinate dehydrogenase complex iron sulfur subunit B; minus strand). Cytogenetic location: 1p36.13.
Variant type: single nucleotide variant.
Coding change: c.144C>T on transcript NM_003000.3 (MANE Select); coding-DNA position 144, C replaced by T.
Protein change: p.Asp48=; no amino-acid change (aspartic acid 48 retained).
Molecular consequence: synonymous variant.
Genome position (GRCh38, 1-based): chr1:17,044,817, G>A on the plus strand (C>T on the coding strand, the complement: SDHB is on the minus strand). VCF-style: chr1-17044817-G-A. GRCh37 (hg19) VCF-style: chr1-17371312-G-A.
Identifiers: ClinVar variation 528757 (VCV000528757.14), dbSNP rs1553178737, ClinGen allele CA416046901.
Genomic context (GRCh38, chr1:17,044,817, plus strand): 5'-TCACTTATTAAGGTCAACTTCATAAGTCTGCATATGAGGTTTGTCTCCAGCCTTGTCTGG[G>A]TCCCATCGATAGATGGCAAATTTCTTGATACGGGGAGCTGTGGCTGCAGCTGTCTGGGCT-3'
Protein context (NP_002991.2, residues 38-58): RIKKFAIYRW[Asp48=]PDKAGDKPHM

ClinVar aggregate classification (germline): Conflicting classifications of pathogenicity. Review status: criteria provided, conflicting classifications (1 of 4 stars). 3 submissions from 3 submitters: Uncertain significance (1); Likely benign (2). Last evaluated 2024-03-14.

Conditions:
Hereditary cancer-predisposing syndrome. Also called: Hereditary neoplastic syndrome; Neoplastic Syndromes, Hereditary; Hereditary Cancer Syndrome; Tumor predisposition. Identifiers: Orphanet 140162, MedGen C0027672, MeSH D009386, MONDO:0015356.
Hereditary pheochromocytoma and paraganglioma. Also called: Hereditary pheochromocytoma-paraganglioma; Hereditary Paraganglioma-Pheochromocytoma Syndromes; Hereditary paragangliomas and pheochromocytomas. Identifiers: Orphanet 29072, MedGen C4274332, MONDO:0017366.
Pheochromocytoma. Also called: MAX-Related Hereditary Paraganglioma-Pheochromocytoma Syndrome. Identifiers: Orphanet 29072, MedGen C0031511, MONDO:0008233, OMIM 171300, HP:0002666.
Gastrointestinal stromal tumor. Also called: Gastrointestinal stromal tumor, somatic; Gastrointestinal stroma tumor. Identifiers: Orphanet 44890, MedGen C0238198, MeSH D046152, MONDO:0011719, OMIM 606764, HP:0100723.
Pheochromocytoma/paraganglioma syndrome 4. Also called: SDHB-Related Hereditary Paraganglioma-Pheochromocytoma Syndrome; PARAGANGLIOMA, FAMILIAL MALIGNANT; PARAGANGLIOMAS, HEREDITARY EXTRAADRENAL; PHEOCHROMOCYTOMA, FAMILIAL EXTRAADRENAL; Paragangliomas 4; CAROTID BODY TUMORS AND MULTIPLE EXTRAADRENAL PHEOCHROMOCYTOMAS. Identifiers: Orphanet 29072, MedGen C1861848, MONDO:0007273, OMIM 115310.

Allele frequency attached by ClinVar (database versions not stated): gnomAD 0.00001.
gnomAD v4.1: 1 of 1,613,926 alleles (0.000062%); highest among the groups gnomAD compares: African/African-American, 0.0013%; no homozygotes.

Submissions (3):

Labcorp Genetics (formerly Invitae), Labcorp
Classification: Likely benign for Gastrointestinal stromal tumor; Pheochromocytoma/paraganglioma syndrome 4; Pheochromocytoma. Last evaluated: 2024-03-14. Review status: criteria provided, single submitter. Criteria: Invitae Variant Classification Sherloc (09022015). Collection method: clinical testing. Allele origin: germline.

All of Us Research Program, National Institutes of Health
Classification: Uncertain significance for Hereditary pheochromocytoma and paraganglioma. Last evaluated: 2023-08-15. Review status: criteria provided, single submitter. Criteria: ACMG Guidelines, 2015. Collection method: clinical testing. Allele origin: germline. Inheritance: Autosomal dominant inheritance. Observed: 1 variant allele, 1 heterozygote.
Comment: This variant is located in the SDHB protein. To our knowledge, functional studies have not been reported for this variant. This variant has not been reported in individuals affected with SDHB-related disorders in the literature. This variant has not been identified in the general population by the Genome Aggregation Database (gnomAD). The available evidence is insufficient to determine the role of this variant in disease conclusively. Therefore, this variant is classified as a Variant of Uncertain Significance.

This study involves interpretation of variants in research participants for the purpose of population health screening. Participant phenotype was not available at the time of variant classification. Additional details can be found in publication PMID: 35346344, PMCID: PMC8962531

Ambry Genetics
Classification: Likely benign for Hereditary cancer-predisposing syndrome. Last evaluated: 2019-09-09. Review status: criteria provided, single submitter. Criteria: Ambry Variant Classification Scheme 2023. Collection method: clinical testing. Allele origin: germline.